The following is an entry in ClinVar:

NM_000548.5(TSC2):c.365_366delinsCT (p.Leu122Pro)

Gene: TSC2 (TSC complex subunit 2; plus strand). Cytogenetic location: 16p13.3.
Variant type: Indel.
Coding change: c.365_366delinsCT on transcript NM_000548.5 (MANE Select); coding-DNA positions 365 to 366, TC replaced by CT.
Protein change: p.Leu122Pro; replaces leucine 122 with proline.
Molecular consequence: missense variant. On other transcripts: 5 prime UTR variant (14), non-coding transcript variant (5), intron variant (6).
Genome position (GRCh38, 1-based): chr16:2,054,324-2,054,325, TC replaced by CT. VCF-style: chr16-2054324-TC-CT. GRCh37 (hg19) VCF-style: chr16-2104325-TC-CT.
Other names: c.365_366delinsCT, p.Leu122Pro (NM_001406671.1, NM_001406673.1, NM_001077183.3 and 8 more transcripts); c.218_219delinsCT, p.Leu73Pro (NM_001406675.1, NM_001406676.1, NM_001406679.1 and 1 more transcripts); c.308_309delinsCT, p.Leu103Pro (NM_001406677.1); c.254_255delinsCT, p.Leu85Pro (NM_001406678.1, NM_001318827.2, NM_001406670.1); c.-452_-451delinsCT (NM_001406680.1, NM_001406683.1, NM_001406687.1); c.-81_-80delinsCT (NM_001406681.1); c.398_399delinsCT, p.Leu133Pro (NM_001318832.2); c.455_456delinsCT, p.Leu152Pro (NM_001406667.1, NM_001406668.1); and 6 more; short protein forms L152P, L85P, L103P, L122P, L133P, L73P.
Identifiers: ClinVar variation 5031359 (VCV005031359.1).

ClinVar aggregate classification (germline): Uncertain significance (1 of 4 stars; one submission).

Conditions:
Hereditary cancer-predisposing syndrome. Also called: Neoplastic Syndromes, Hereditary; Tumor predisposition; Hereditary neoplastic syndrome; Hereditary Cancer Syndrome. Identifiers: Orphanet 140162, MedGen C0027672, MeSH D009386, MONDO:0015356.

Submission:

Ambry Genetics
Classification: Uncertain significance for Hereditary cancer-predisposing syndrome. Last evaluated: 2026-07-14. Review status: criteria provided, single submitter. Criteria: Ambry Variant Classification Scheme 2023. Collection method: clinical testing. Allele origin: germline.
Comment: The c.365_366delTCinsCT variant (also known as p.L122P), located in coding exon 4 of the TSC2 gene, results from an in-frame deletion of TC and insertion of CT at nucleotide positions 365 to 366. This results in the substitution of the leucine residue for a proline residue at codon 122, an amino acid with similar properties. This amino acid position is not well conserved in available vertebrate species. In addition, the in silico prediction for this variant is inconclusive. Based on the available evidence, the clinical significance of this variant remains unclear.